The following is an entry in ClinVar:

ClinVar aggregate classification (germline): Conflicting classifications of pathogenicity. Review status: criteria provided, conflicting classifications (1 of 4 stars). 7 submissions from 7 submitters: Uncertain significance (1); Likely benign (4). 2 of the submissions do not count toward it. Last evaluated 2025-11-11.

Conditions:
Inborn genetic diseases. Identifiers: MedGen C0950123, MeSH D030342.
Intellectual developmental disorder, X-linked 1. Also called: Intellectual disability, X-linked 1; MENTAL RETARDATION, X-LINKED 18; MENTAL RETARDATION, X-LINKED 78; Atkin Flaitz Patil Smith syndrome. Identifiers: Orphanet 777, MedGen C2931498, MONDO:0010656, OMIM 309530.

Allele frequency attached by ClinVar (database versions not stated): gnomAD exomes 0.00005 and 0.00021; gnomAD 0.00016 and 0.00019; TOPMed 0.00016.
gnomAD v4.1: 233 of 1,129,052 alleles (0.021%); highest among the groups gnomAD compares: Non-Finnish European, 0.025%; no homozygotes.

Submissions (7):

Labcorp Genetics (formerly Invitae), Labcorp
Classification: Likely benign for Intellectual developmental disorder, X-linked 1. Last evaluated: 2025-11-11. Review status: criteria provided, single submitter. Criteria: Invitae Variant Classification Sherloc (09022015). Collection method: clinical testing. Allele origin: germline.

Blueprint Genetics
Classification: Likely benign. Last evaluated: 2023-12-04. Review status: criteria provided, single submitter. Criteria: ACMG Guidelines, 2015. Collection method: clinical testing. Allele origin: germline.

Ambry Genetics
Classification: Likely benign for Inborn genetic diseases. Last evaluated: 2019-10-23. Review status: criteria provided, single submitter. Criteria: Ambry Variant Classification Scheme 2023. Collection method: clinical testing. Allele origin: germline.

GeneDx
Classification: Likely benign. Last evaluated: 2017-10-26. Review status: criteria provided, single submitter. Criteria: GeneDx Variant Classification (06012015). Collection method: clinical testing. Allele origin: germline. Affected: yes.
Comment: This variant is considered likely benign or benign based on one or more of the following criteria: it is a conservative change, it occurs at a poorly conserved position in the protein, it is predicted to be benign by multiple in silico algorithms, and/or has population frequency not consistent with disease.

Genetic Services Laboratory, University of Chicago
Classification: Uncertain significance. Last evaluated: 2014-10-21. Review status: criteria provided, single submitter. Criteria: ACMG Guidelines, 2015. Collection method: clinical testing. Allele origin: germline.

Clinical Genetics DNA and cytogenetics Diagnostics Lab, Erasmus MC, Erasmus Medical Center
Classification: Likely benign. Review status: no assertion criteria provided. Collection method: clinical testing. Allele origin: germline. Affected: yes. Study: VKGL Data-share Consensus. Not counted in ClinVar's aggregate classification.

Genome Diagnostics Laboratory, University Medical Center Utrecht
Classification: Likely benign. Review status: no assertion criteria provided. Collection method: clinical testing. Allele origin: germline. Affected: yes. Study: VKGL Data-share Consensus. Not counted in ClinVar's aggregate classification.

NM_001111125.3(IQSEC2):c.3735C>T (p.His1245=)

Gene: IQSEC2 (IQ motif and Sec7 domain ArfGEF 2; minus strand). Cytogenetic location: Xp11.22.
Variant type: single nucleotide variant.
Coding change: c.3735C>T on transcript NM_001111125.3 (MANE Select); coding-DNA position 3735, C replaced by T.
Protein change: p.His1245=; no amino-acid change (histidine 1245 retained).
Molecular consequence: synonymous variant. On other transcripts: 3 prime UTR variant (1).
Genome position (GRCh38, 1-based): chrX:53,234,951, G>A on the plus strand (C>T on the coding strand, the complement: IQSEC2 is on the minus strand). VCF-style: chrX-53234951-G-A. GRCh37 (hg19) VCF-style: chrX-53264133-G-A.
Other names: c.*220C>T (NM_015075.2).
Identifiers: ClinVar variation 211207 (VCV000211207.22), dbSNP rs797045630, ClinGen allele CA208763.